The following is an entry in ClinVar:

ClinVar aggregate classification (germline): Uncertain significance (1 of 4 stars; one submission).

gnomAD v4.1: 2 of 1,611,190 alleles (0.00012%); highest among the groups gnomAD compares: Non-Finnish European, 0.000085%; no homozygotes.

Submission:

Dasa
Classification: Uncertain significance. Last evaluated: 2025-04-25. Review status: criteria provided, single submitter. Criteria: DASA Assertion Criteria. Collection method: clinical testing. Allele origin: germline.
Comment: NM_032607.3(CREB3L3):c.755G>T (p.Arg252Leu) is a missense variant that results in the substitution of arginine with leucine. This variant is rare in population databases. The currently available literature and clinical evidence are not sufficient to establish a definitive association between this variant and the reported condition. Therefore, this variant is classified as a variant of uncertain significance.

NM_032607.3(CREB3L3):c.755G>T (p.Arg252Leu)

Gene: CREB3L3 (cAMP responsive element binding protein 3 like 3; plus strand). Cytogenetic location: 19p13.3.
Variant type: single nucleotide variant.
Coding change: c.755G>T on transcript NM_032607.3 (MANE Select); coding-DNA position 755, G replaced by T.
Protein change: p.Arg252Leu; replaces arginine 252 with leucine.
Molecular consequence: missense variant. On other transcripts: intron variant (1).
Genome position (GRCh38, 1-based): chr19:4,168,391, G>T. VCF-style: chr19-4168391-G-T. GRCh37 (hg19) VCF-style: chr19-4168388-G-T.
Other names: c.752G>T, p.Arg251Leu (NM_001271995.2); c.749G>T, p.Arg250Leu (NM_001271996.2); c.715-1749G>T (NM_001271997.2); short protein forms R250L, R251L, R252L.
Identifiers: ClinVar variation 5020966 (VCV005020966.1).
Genomic context (GRCh38, chr19:4,168,391, plus strand): 5'-CTCCCCATTTCACTTGGCAGTACGAGGAGCGAGTGCTGAAAAAAATCCGCCGGAAAATCC[G>T]GAACAAGCAGTCGGCGCAAGAAAGCAGGAAGAAGAAGAAGGAATATATCGATGGCCTGGA-3'
Protein context (NP_115996.1, residues 242-262): RVLKKIRRKI[Arg252Leu]NKQSAQESRK